The following is an entry in ClinVar:

ClinVar aggregate classification (germline): Conflicting classifications of pathogenicity. Review status: criteria provided, conflicting classifications (1 of 4 stars). 3 submissions from 3 submitters: Uncertain significance (2); Likely benign (1). Last evaluated 2026-05-26.

Conditions:
Hereditary cancer-predisposing syndrome. Also called: Tumor predisposition; Hereditary Cancer Syndrome; Hereditary neoplastic syndrome; Neoplastic Syndromes, Hereditary. Identifiers: Orphanet 140162, MedGen C0027672, MeSH D009386, MONDO:0015356.
Gastrointestinal stromal tumor. Also called: Gastrointestinal stroma tumor; Gastrointestinal stromal tumor, somatic. Identifiers: Orphanet 44890, MedGen C0238198, MeSH D046152, MONDO:0011719, OMIM 606764, HP:0100723.

gnomAD v4.1: 1 of 1,606,924 alleles (0.000062%); no homozygotes.

Submissions (3):

Myriad Genetics, Inc.
Classification: Likely benign for Gastrointestinal stromal tumor. Last evaluated: 2026-05-26. Review status: criteria provided, single submitter. Criteria: Myriad Autosomal Dominant, Autosomal Recessive and X-Linked Classification Criteria (2023). Collection method: clinical testing. Allele origin: unknown.
Comment: This variant is considered likely benign. This variant is intronic and is not expected to impact mRNA splicing.

Ambry Genetics
Classification: Uncertain significance for Hereditary cancer-predisposing syndrome. Last evaluated: 2025-09-18. Review status: criteria provided, single submitter. Criteria: Ambry Variant Classification Scheme 2023. Collection method: clinical testing. Allele origin: germline.
Comment: The c.925+5A>G intronic variant results from an A to G substitution 5 nucleotides after coding exon 5 in the KIT gene. This nucleotide position is well conserved in available vertebrate species. In silico splice site analysis predicts that this alteration will not have any significant effect on splicing. Based on the available evidence, the clinical significance of this variant remains unclear.

Labcorp Genetics (formerly Invitae), Labcorp
Classification: Uncertain significance for Gastrointestinal stromal tumor. Last evaluated: 2024-06-10. Review status: criteria provided, single submitter. Criteria: Invitae Variant Classification Sherloc (09022015). Collection method: clinical testing. Allele origin: germline.
Comment: This sequence change falls in intron 5 of the KIT gene. It does not directly change the encoded amino acid sequence of the KIT protein. It affects a nucleotide within the consensus splice site. This variant is not present in population databases (gnomAD no frequency). This variant has not been reported in the literature in individuals affected with KIT-related conditions. ClinVar contains an entry for this variant (Variation ID: 2198952). Variants that disrupt the consensus splice site are a relatively common cause of aberrant splicing (PMID: 17576681, 9536098). Algorithms developed to predict the effect of sequence changes on RNA splicing suggest that this variant is not likely to affect RNA splicing. In summary, the available evidence is currently insufficient to determine the role of this variant in disease. Therefore, it has been classified as a Variant of Uncertain Significance.

Literature cited by the submitters: PubMed 17576681 (cited by Labcorp Genetics (formerly Invitae), Labcorp); PubMed 9536098 (cited by Labcorp Genetics (formerly Invitae), Labcorp).

NM_000222.3(KIT):c.925+5A>G

Gene: KIT (KIT proto-oncogene, receptor tyrosine kinase; plus strand). Cytogenetic location: 4q12.
Variant type: single nucleotide variant.
Coding change: c.925+5A>G on transcript NM_000222.3 (MANE Select); 5 bases into the intron after coding-DNA position 925, A replaced by G.
Molecular consequence: intron variant.
Genome position (GRCh38, 1-based): chr4:54,703,897, A>G. VCF-style: chr4-54703897-A-G. GRCh37 (hg19) VCF-style: chr4-55570063-A-G.
Other names: c.925+5A>G (NM_000222.2, NM_001385285.1, NM_001093772.2 and 1 more transcripts); c.928+5A>G (NM_001385284.1, NM_001385290.1, NM_001385288.1 and 1 more transcripts).
Identifiers: ClinVar variation 2198952 (VCV002198952.5), dbSNP rs2475469935, ClinGen allele CA2580071129.
Genomic context (GRCh38, chr4:54,703,897, plus strand): 5'-TTATGCCAATAATACTTTTGGATCAGCAAATGTCACAACAACCTTGGAAGTAGTAGGTAA[A>G]TACCTCTATGGGAATGTTTAAATTACTGGCAGTAGTGAAAGAAGAAATTATTAGACAGTT-3'